The following is an entry in ClinVar:

ClinVar aggregate classification (germline): Uncertain significance (1 of 4 stars; one submission).

Conditions:
Congenital myasthenic syndrome 4A. Also called: CONGENITAL MYASTHENIC SYNDROME TYPE Ia1; MYASTHENIC SYNDROME, CONGENITAL, 4A, SLOW-CHANNEL, AUTOSOMAL RECESSIVE; Myasthenic syndrome, congenital, 4a, slow-channel. Identifiers: Orphanet 590, MedGen C4225413, MONDO:0011600, OMIM 605809.
Congenital myasthenic syndrome 4C (CMS4C). Also called: Myasthenic syndrome, congenital, associated with acetylcholine receptor deficiency. Identifiers: Orphanet 590, MedGen C1837091, MONDO:0012157, OMIM 608931.
Congenital myasthenic syndrome 4B. Also called: Myasthenic syndrome, congenital, 4b, fast-channel. Identifiers: Orphanet 590, MedGen C4225369, MONDO:0014586, OMIM 616324.

Submission:

Kariminejad - Najmabadi Pathology & Genetics Center
Classification: Uncertain significance for Congenital myasthenic syndrome 4A; Congenital myasthenic syndrome 4B; Congenital myasthenic syndrome 4C. Last evaluated: 2022-11-17. Review status: criteria provided, single submitter. Criteria: ACMG Guidelines, 2015. Collection method: clinical testing. Allele origin: germline. Inheritance: Autosomal recessive inheritance. Affected: yes.
Comment: PP3-PM2

NM_000080.4(CHRNE):c.401G>A (p.Gly134Asp)

Genes: C17orf107 (chromosome 17 open reading frame 107; plus strand), CHRNE (cholinergic receptor nicotinic epsilon subunit; minus strand). Cytogenetic location: 17p13.2.
Variant type: single nucleotide variant.
Coding change: c.401G>A on transcript NM_000080.4 (MANE Select); coding-DNA position 401, G replaced by A.
Protein change: p.Gly134Asp; replaces glycine 134 with aspartic acid.
Molecular consequence: missense variant. On other transcripts: 3 prime UTR variant (1).
Genome position (GRCh38, 1-based): chr17:4,902,031, C>T on the plus strand (G>A on the coding strand, the complement: CHRNE is on the minus strand). VCF-style: chr17-4902031-C-T. GRCh37 (hg19) VCF-style: chr17-4805326-C-T.
Other names: c.*1498C>T (NM_001145536.2); short protein forms G134D.
Identifiers: ClinVar variation 3896810 (VCV003896810.1).
Genomic context (GRCh38, chr17:4,902,031, plus strand): 5'-TAGGTGACCTCCACTGCGCAGACGCTGCGGTAGATGGCCGGAGGCAGCCACGTCACGGAG[C>T]CGCCCTCGTAGACGAGCACGTTGGCGTCGTAGGCCACTCCGAACTGGCCATCAATACTGT-3'
Protein context (NP_000071.1, residues 124-144): YDANVLVYEG[Gly134Asp]SVTWLPPAIY